The following is an entry in ClinVar:

NM_001844.5(COL2A1):c.4075-4A>G

Gene: COL2A1 (collagen type II alpha 1 chain; minus strand). Cytogenetic location: 12q13.11.
Variant type: single nucleotide variant.
Coding change: c.4075-4A>G on transcript NM_001844.5 (MANE Select); 4 bases into the intron before coding-DNA position 4075, A replaced by G.
Molecular consequence: intron variant.
Genome position (GRCh38, 1-based): chr12:47,974,335, T>C on the plus strand (A>G on the coding strand, the complement: COL2A1 is on the minus strand). VCF-style: chr12-47974335-T-C. GRCh37 (hg19) VCF-style: chr12-48368118-T-C.
Other names: c.3868-4A>G (NM_033150.3).
Identifiers: ClinVar variation 3658768 (VCV003658768.2).

ClinVar aggregate classification (germline): Uncertain significance (1 of 4 stars; one submission).

Submission:

Labcorp Genetics (formerly Invitae), Labcorp
Classification: Uncertain significance. Last evaluated: 2024-07-23. Review status: criteria provided, single submitter. Criteria: Invitae Variant Classification Sherloc (09022015). Collection method: clinical testing. Allele origin: germline.
Comment: This sequence change falls in intron 52 of the COL2A1 gene. It does not directly change the encoded amino acid sequence of the COL2A1 protein. This variant is not present in population databases (gnomAD no frequency). This variant has not been reported in the literature in individuals affected with COL2A1-related conditions. Algorithms developed to predict the effect of sequence changes on RNA splicing suggest that this variant may create or strengthen a splice site. In summary, the available evidence is currently insufficient to determine the role of this variant in disease. Therefore, it has been classified as a Variant of Uncertain Significance.